The following is an entry in ClinVar:

ClinVar aggregate classification (germline): Conflicting classifications of pathogenicity. Review status: criteria provided, conflicting classifications (1 of 4 stars). 2 submissions from 2 submitters: Likely pathogenic (1); Uncertain significance (1).

Conditions:
Nephropathic cystinosis (CTNS). Also called: Abderhalden Lignac Kaufmann disease; Abderhalden-Kaufmann-Lignac syndrome; CYSTINOSIN, DEFECT OF; LYSOSOMAL CYSTINE TRANSPORT PROTEIN, DEFECT OF. Identifiers: Orphanet 213, Orphanet 411629, MedGen C2931187, MONDO:0100151, OMIM 219800.

Allele frequency attached by ClinVar (database versions not stated): ExAC 0.00001.

Submissions (2):

Kasturba Medical College, Manipal, Kasturba Medical College, Manipal, Manipal Academy of Higher Education, Manipal, India
Classification: Uncertain significance for Nephropathic cystinosis. Review status: criteria provided, single submitter. Criteria: ACMG Guidelines, 2015. Collection method: research. Allele origin: unknown. Inheritance: Autosomal recessive inheritance. Affected: yes. Observed: 1 homozygote.
Comment: The variant is absent in homozygous state and is present in one individual in heterozygous state (allele frequency: 0.0000006196) in gnomAD (v4.1.0) database. This variant is absent in our in-house database of 3971 exomes. There is a single submission in ClinVar for this variant reporting it as likely pathogenic in an individual with nephropathic cystinosis (ClinVar Accession ID: VCV003242213.1). In-silico prediction tools such as SpliceAI (Acceptor Loss- 0.81; Donor Loss: 0.90) predict the variant to cause aberrant splicing. This may lead to either formation of a truncated protein product or the transcript to undergo nonsense-mediated decay (NMD).

Neuberg Centre For Genomic Medicine, NCGM
Classification: Likely pathogenic for Nephropathic cystinosis. Review status: criteria provided, single submitter. Criteria: ACMG Guidelines, 2015. Collection method: clinical testing. Allele origin: germline. Inheritance: Autosomal recessive inheritance. Affected: yes.
Comment: The splice donor c.140+2dup variant in the CTNS gene has not been reported previously as a pathogenic variant nor as a benign variant, to our knowledge. This variant is reported with the allele frequency (0.0003%) in the gnomAD Exomes and novel (not in any individuals) in 1000 Genomes. This variant change affects the donor splice site in intron 4 of the CTNS gene. Loss of function variants has been previously reported to be disease causing (Brasell et al., 2019). For these reasons, this variant has been classified as Likely Pathogenic.

NM_004937.3(CTNS):c.140+2dup

Gene: CTNS (cystinosin, lysosomal cystine transporter; plus strand). Cytogenetic location: 17p13.2.
Variant type: Duplication.
Coding change: c.140+2dup on transcript NM_004937.3 (MANE Select); the canonical splice donor site of the intron after coding-DNA position 140, one base duplicated (T; older notation c.140+2dupT).
Molecular consequence: splice donor variant. On other transcripts: intron variant (1).
Genome position (GRCh38, 1-based): chr17:3,647,524, T duplicated. VCF-style (leftmost placement, unchanged base first): chr17-3647523-G-GT. GRCh37 (hg19) VCF-style: chr17-3550817-G-GT.
Other names: c.140+2dup (NM_001031681.3, NM_001374492.1); c.-217+2dup (NM_001374493.1, NM_001374496.1); c.-217+7257dup (NM_001374495.1); c.-302+2dup (NM_001374494.1).
Identifiers: ClinVar variation 3242213 (VCV003242213.2), dbSNP rs751669616.